The following is an entry in ClinVar:

ClinVar aggregate classification (germline): Uncertain significance. Review status: criteria provided, multiple submitters, no conflicts (2 of 4 stars). 2 submissions from 2 submitters: Uncertain significance (2). Last evaluated 2023-10-02.

Conditions:
Hereditary cancer-predisposing syndrome. Also called: Hereditary Cancer Syndrome; Hereditary neoplastic syndrome; Tumor predisposition; Neoplastic Syndromes, Hereditary. Identifiers: Orphanet 140162, MedGen C0027672, MeSH D009386, MONDO:0015356.

Allele frequency attached by ClinVar (database versions not stated): gnomAD exomes below 0.00001.
gnomAD v4.1: 2 of 1,600,800 alleles (0.00012%); highest among the groups gnomAD compares: Admixed American, 0.0017%; no homozygotes.

Submissions (2):

Ambry Genetics
Classification: Uncertain significance for Hereditary cancer-predisposing syndrome. Last evaluated: 2023-10-02. Review status: criteria provided, single submitter. Criteria: Ambry Variant Classification Scheme 2023. Collection method: clinical testing. Allele origin: germline.
Comment: The p.R83S variant (also known as c.247C>A), located in coding exon 3 of the RAD50 gene, results from a C to A substitution at nucleotide position 247. The arginine at codon 83 is replaced by serine, an amino acid with dissimilar properties. This amino acid position is conserved. In addition, the in silico prediction for this alteration is inconclusive. Since supporting evidence is limited at this time, the clinical significance of this alteration remains unclear.

Labcorp Genetics (formerly Invitae), Labcorp
Classification: Uncertain significance for Hereditary cancer-predisposing syndrome. Last evaluated: 2022-11-29. Review status: criteria provided, single submitter. Criteria: Invitae Variant Classification Sherloc (09022015). Collection method: clinical testing. Allele origin: germline.
Comment: In summary, the available evidence is currently insufficient to determine the role of this variant in disease. Therefore, it has been classified as a Variant of Uncertain Significance. Advanced modeling of protein sequence and biophysical properties (such as structural, functional, and spatial information, amino acid conservation, physicochemical variation, residue mobility, and thermodynamic stability) performed at Invitae indicates that this missense variant is expected to disrupt RAD50 protein function. ClinVar contains an entry for this variant (Variation ID: 843128). This variant has not been reported in the literature in individuals affected with RAD50-related conditions. This variant is not present in population databases (gnomAD no frequency). This sequence change replaces arginine, which is basic and polar, with serine, which is neutral and polar, at codon 83 of the RAD50 protein (p.Arg83Ser).

NM_005732.4(RAD50):c.247C>A (p.Arg83Ser)

Gene: RAD50 (RAD50 double strand break repair protein; plus strand). Cytogenetic location: 5q31.1.
Variant type: single nucleotide variant.
Coding change: c.247C>A on transcript NM_005732.4 (MANE Select); coding-DNA position 247, C replaced by A.
Protein change: p.Arg83Ser; replaces arginine 83 with serine.
Molecular consequence: missense variant.
Genome position (GRCh38, 1-based): chr5:132,575,810, C>A. VCF-style: chr5-132575810-C-A. GRCh37 (hg19) VCF-style: chr5-131911502-C-A.
Other names: short protein forms R83S.
Identifiers: ClinVar variation 843128 (VCV000843128.12), dbSNP rs1750386295, ClinGen allele CA360930448.